The following is an entry in ClinVar:

ClinVar aggregate classification (germline): Conflicting classifications of pathogenicity. Review status: criteria provided, conflicting classifications (1 of 4 stars). 2 submissions from 2 submitters: Uncertain significance (1); Likely benign (1). Last evaluated 2025-08-26.

Conditions:
Von Hippel-Lindau syndrome (VHLS). Also called: Von Hippel-Lindau; von Hippel–Lindau syndrome; VHL syndrome. Identifiers: Orphanet 892, MedGen C0019562, MONDO:0008667, OMIM 193300. Disease mechanism: loss of function.
Chuvash polycythemia. Also called: POLYCYTHEMIA, VHL-DEPENDENT. Identifiers: Orphanet 238557, MedGen C1837915, MONDO:0009892, OMIM 263400.
Hereditary cancer-predisposing syndrome. Also called: Hereditary neoplastic syndrome; Neoplastic Syndromes, Hereditary; Tumor predisposition; Hereditary Cancer Syndrome. Identifiers: Orphanet 140162, MedGen C0027672, MeSH D009386, MONDO:0015356.

Submissions (2):

Ambry Genetics
Classification: Uncertain significance for Hereditary cancer-predisposing syndrome. Last evaluated: 2025-08-26. Review status: criteria provided, single submitter. Criteria: Ambry Variant Classification Scheme 2023. Collection method: clinical testing. Allele origin: germline.
Comment: The c.340+832T>C intronic variant results from a T to C substitution 832 nucleotides after coding exon 1 in the VHL gene. This nucleotide position is not well conserved in available vertebrate species. In silico splice site analysis for this alteration is inconclusive and direct evidence is insufficient at this time (Ambry internal data). Since supporting evidence is limited at this time, the clinical significance of this alteration remains unclear.

Labcorp Genetics (formerly Invitae), Labcorp
Classification: Likely benign for Von Hippel-Lindau syndrome; Chuvash polycythemia. Last evaluated: 2024-11-27. Review status: criteria provided, single submitter. Criteria: Invitae Variant Classification Sherloc (09022015). Collection method: clinical testing. Allele origin: germline.

NM_000551.4(VHL):c.340+832T>C

Genes: VHL (von Hippel-Lindau tumor suppressor; plus strand), LOC107303340 (3p25 von Hippel-Lindau tumor suppressor, E3 ubiquitin protein ligase Alu-mediated recombination region; plus strand). Cytogenetic location: 3p25.3.
Variant type: single nucleotide variant.
Coding change: c.340+832T>C on transcript NM_000551.4 (MANE Select); 832 bases into the intron after coding-DNA position 340, T replaced by C.
Molecular consequence: intron variant. On other transcripts: 3 prime UTR variant (1).
Genome position (GRCh38, 1-based): chr3:10,143,019, T>C. VCF-style: chr3-10143019-T-C. GRCh37 (hg19) VCF-style: chr3-10184703-T-C.
Other names: c.*15T>C (NM_001354723.2); c.340+832T>C (NM_198156.3, NM_000551.3).
Identifiers: ClinVar variation 1044026 (VCV001044026.12), dbSNP rs1696165411, ClinGen allele CA1345067657.